The following is an entry in ClinVar:

NM_014727.3(KMT2B):c.3885G>A (p.Trp1295Ter)

Gene: KMT2B (lysine methyltransferase 2B; plus strand). Cytogenetic location: 19q13.12.
Variant type: single nucleotide variant.
Coding change: c.3885G>A on transcript NM_014727.3 (MANE Select); coding-DNA position 3885, G replaced by A.
Protein change: p.Trp1295Ter; replaces tryptophan 1295 with a stop codon.
Molecular consequence: nonsense.
Genome position (GRCh38, 1-based): chr19:35,725,818, G>A. VCF-style: chr19-35725818-G-A. GRCh37 (hg19) VCF-style: chr19-36216719-G-A.
Other names: NC_000019.9:g.36216719G>A; short protein forms W1295*.
Identifiers: ClinVar variation 620543 (VCV000620543.2), dbSNP rs1568374482, ClinGen allele CA405411279.

ClinVar aggregate classification (germline): Pathogenic (1 of 4 stars; one submission).

Submissions (2):

GeneDx
Classification: Pathogenic. Last evaluated: 2019-01-03. Review status: criteria provided, single submitter. Criteria: GeneDx Variant Classification (06012015). Collection method: clinical testing. Allele origin: germline. Affected: yes.
Comment: The W1295X nonsense variant in the KMT2B gene is predicted to cause loss of normal protein function either through protein truncation or nonsense-mediated mRNA decay. The W1295X variant is not observed in large population cohorts (Lek et al., 2016).

Dr. Peter K. Rogan Lab, Western University
No classification provided (evidence only). Condition: Malignant tumor of urinary bladder. Review status: no classification provided. Collection method: in vitro. Allele origin: not applicable. Functional consequence: retained intron. Not counted in ClinVar's aggregate classification.